The following is an entry in ClinVar:

ClinVar aggregate classification (germline): Uncertain significance. Review status: criteria provided, multiple submitters, no conflicts (2 of 4 stars). 2 submissions from 2 submitters: Uncertain significance (2). Last evaluated 2025-10-01.

Conditions:
Hepatic methionine adenosyltransferase deficiency. Also called: Methionine adenosyltransferase deficiency; MAT I/III DEFICIENCY; Isolated Persistent Hypermethioninemia; Deficiency of methionine adenosyltransferase. Identifiers: Orphanet 168598, MedGen C0268621, MeSH C564683, MONDO:0009607, OMIM 250850.

Allele frequency attached by ClinVar (database versions not stated): gnomAD exomes below 0.00001.
gnomAD v4.1: 3 of 1,614,176 alleles (0.00019%); highest among the groups gnomAD compares: South Asian, 0.0033%; no homozygotes.

Submissions (2):

Labcorp Genetics (formerly Invitae), Labcorp
Classification: Uncertain significance for Hepatic methionine adenosyltransferase deficiency. Last evaluated: 2025-10-01. Review status: criteria provided, single submitter. Criteria: Invitae Variant Classification Sherloc (09022015). Collection method: clinical testing. Allele origin: germline.
Comment: This sequence change replaces threonine, which is neutral and polar, with isoleucine, which is neutral and non-polar, at codon 21 of the MAT1A protein (p.Thr21Ile). This variant is not present in population databases (gnomAD no frequency). This variant has not been reported in the literature in individuals affected with MAT1A-related conditions. ClinVar contains an entry for this variant (Variation ID: 1334722). Invitae Evidence Modeling of protein sequence and biophysical properties (such as structural, functional, and spatial information, amino acid conservation, physicochemical variation, residue mobility, and thermodynamic stability) indicates that this missense variant is expected to disrupt MAT1A protein function with a positive predictive value of 80%. In summary, the available evidence is currently insufficient to determine the role of this variant in disease. Therefore, it has been classified as a Variant of Uncertain Significance.

Greenwood Genetic Center Diagnostic Laboratories, Greenwood Genetic Center
Classification: Uncertain significance. Last evaluated: 2021-12-29. Review status: criteria provided, single submitter. Criteria: ACMG Guidelines, 2015. Collection method: clinical testing. Allele origin: germline. Affected: yes.
Comment: PM2

NM_000429.3(MAT1A):c.62C>T (p.Thr21Ile)

Gene: MAT1A (methionine adenosyltransferase 1A; minus strand). Cytogenetic location: 10q22.3.
Variant type: single nucleotide variant.
Coding change: c.62C>T on transcript NM_000429.3 (MANE Select); coding-DNA position 62, C replaced by T.
Protein change: p.Thr21Ile; replaces threonine 21 with isoleucine.
Molecular consequence: missense variant.
Genome position (GRCh38, 1-based): chr10:80,289,362, G>A on the plus strand (C>T on the coding strand, the complement: MAT1A is on the minus strand). VCF-style: chr10-80289362-G-A. GRCh37 (hg19) VCF-style: chr10-82049118-G-A.
Other names: short protein forms T21I.
Identifiers: ClinVar variation 1334722 (VCV001334722.6), dbSNP rs2132712126, ClinGen allele CA377364916.